The following is an entry in ClinVar:

ClinVar aggregate classification (germline): Likely pathogenic (1 of 4 stars; one submission).

Conditions:
Developmental and epileptic encephalopathy, 2 (DEE2). Also called: INFANTILE SPASM SYNDROME, X-LINKED 2; CDKL5 deficiency disorder. Identifiers: Orphanet 1934, Orphanet 3451, Orphanet 505652, MedGen C4750718, MONDO:0010396, OMIM 300672.

Submission:

Hunan Provincial Maternal and Child Health Care Hospital
Classification: Likely pathogenic for Developmental and epileptic encephalopathy, 2. Last evaluated: 2024-09-19. Review status: criteria provided, single submitter. Criteria: ACMG Guidelines, 2015. Collection method: clinical testing. Allele origin: de novo. Inheritance: X-linked dominant inheritance. Affected: yes. Observed: 1 hemizygote.
Comment: The NM_001323289.2 c.100_145del, is an exon 4 deletion in CDKL5 which is predicted to result in a exon skipping that disrupts the reading frame (PVS1). This variant is not present in gnomAD (PM2_supporting; version 2.1.1). In summary, this variant to be classified as likely pathogenic for Developmental and epileptic encephalopathy based on the ACMG criteria applied: PVS1, PM2_supporting.

NM_001323289.2(CDKL5):c.101_145+1del

Gene: CDKL5 (cyclin dependent kinase like 5; plus strand). Cytogenetic location: Xp22.13.
Variant type: Deletion.
Coding change: c.101_145+1del on transcript NM_001323289.2 (MANE Select); coding-DNA position 101 through the canonical splice donor site of the intron after coding-DNA position 145, 46 bases deleted.
Molecular consequence: splice acceptor variant, splice donor variant.
Genome position (GRCh38, 1-based): chrX:18,564,478-18,564,523, 46 bases deleted; deleting any 46 consecutive bases within chrX:18,564,475-18,564,523 gives the same sequence; the c. name uses the placement nearest the transcript's 3' end. GRCh37 (hg19): chrX:18,582,598-18,582,643.
Other names: c.100_145del (NM_001323289.2); c.101_145+1del (NM_003159.3, NM_001037343.2).
Identifiers: ClinVar variation 4278937 (VCV004278937.1).